The following is an entry in ClinVar:

NM_003172.4(SURF1):c.871A>T (p.Lys291Ter)

Gene: SURF1 (SURF1 cytochrome c oxidase assembly factor; minus strand). Cytogenetic location: 9q34.2.
Variant type: single nucleotide variant.
Coding change: c.871A>T on transcript NM_003172.4 (MANE Select); coding-DNA position 871, A replaced by T.
Protein change: p.Lys291Ter; replaces lysine 291 with a stop codon.
Molecular consequence: nonsense.
Genome position (GRCh38, 1-based): chr9:133,351,945, T>A on the plus strand (A>T on the coding strand, the complement: SURF1 is on the minus strand). VCF-style: chr9-133351945-T-A. GRCh37 (hg19) VCF-style: chr9-136218800-T-A.
Other names: c.544A>T, p.Lys182Ter (NM_001280787.1); short protein forms K182*, K291*.
Identifiers: ClinVar variation 4854855 (VCV004854855.1).

ClinVar aggregate classification (germline): Likely pathogenic (1 of 4 stars; one submission).

Conditions:
Mitochondrial complex IV deficiency, nuclear type 1 (MC4DN1). Also called: Mitochondrial complex IV deficiency; Complex 4 mitochondrial respiratory chain deficiency; Deficiency of mitochondrial respiratory chain complex4; Complex IV deficiency; COX DEFICIENCY. Identifiers: MedGen C5435656, MONDO:0700250, OMIM 220110. Disease mechanism: loss of function.

Submission:

3billion
Classification: Likely pathogenic for Mitochondrial complex IV deficiency, nuclear type 1. Last evaluated: 2025-08-08. Review status: criteria provided, single submitter. Criteria: ACMG Guidelines, 2015. Collection method: clinical testing. Allele origin: germline. Affected: yes.
Comment: The variant is not observed in the gnomAD v4.1.0 dataset. Predicted Consequence/Location: Stop gained (nonsense) variant: previously reported to result in an inframe deletion located in a critical region of the functional domain (PMID: 10556303, 22488715). Stop gained (nonsense) variant: previously reported to result in an inframe deletion located in a critical region of the functional domain (PMID: 10556303, 22488715). Therefore, this variant is classified as Likely pathogenic according to the recommendation of ACMG/AMP guideline.

Literature cited by the submitters: PubMed 22488715; PubMed 10556303.